The following is an entry in ClinVar:

NM_004370.6(COL12A1):c.9065CCCCTGGCC[3] (p.Gly3027_Arg3028insProProGly)

Gene: COL12A1 (collagen type XII alpha 1 chain; minus strand). Cytogenetic location: 6q13.
Variant type: Microsatellite.
Coding change: c.9065CCCCTGGCC[3] on transcript NM_004370.6 (MANE Select); three copies in a row of the 9-base unit CCCCTGGCC starting at c.9065; the reference has two copies in a row; one copy, 9 bases duplicated.
Protein change: p.Gly3027_Arg3028insProProGly.
Molecular consequence: inframe insertion.
Genome position (GRCh38, 1-based): chr6:75,087,676-75,087,684, GGCCAGGGG duplicated on the plus strand (CCCCTGGCC on the coding strand, the reverse complement: COL12A1 is on the minus strand); duplicating any 9 consecutive bases within chr6:75,087,676-75,087,694 gives the same sequence; the position shown is the placement nearest the transcript's 3' end. VCF-style (leftmost placement, unchanged base first): chr6-75087675-C-CGGCCAGGGG. GRCh37 (hg19) VCF-style: chr6-75797391-C-CGGCCAGGGG.
Other names: c.9065CCCCTGGCC[3], p.Gly3027_Arg3028insProProGly (NM_001424113.1); c.9044CCCCTGGCC[3], p.Gly3020_Arg3021insProProGly (NM_001424114.1); c.8792CCCCTGGCC[3], p.Gly2936_Arg2937insProProGly (NM_001424115.1); c.5573CCCCTGGCC[3], p.Gly1863_Arg1864insProProGly (NM_001424116.1, NM_080645.3).
Identifiers: ClinVar variation 2931030 (VCV002931030.3), dbSNP rs1238079327, ClinGen allele CA828093193.

ClinVar aggregate classification (germline): Uncertain significance (1 of 4 stars; one submission).

Conditions:
Ullrich congenital muscular dystrophy 2 (UCMD2). Identifiers: Orphanet 75840, MedGen C4225314, MONDO:0014654, OMIM 616470.
Bethlem myopathy 2 (BTHLM2). Identifiers: Orphanet 536516, Orphanet 610, MedGen C4225313, MONDO:0034022, OMIM 616471.

Submission:

Labcorp Genetics (formerly Invitae), Labcorp
Classification: Uncertain significance for Bethlem myopathy 2; Ullrich congenital muscular dystrophy 2. Last evaluated: 2023-08-30. Review status: criteria provided, single submitter. Criteria: Invitae Variant Classification Sherloc (09022015). Collection method: clinical testing. Allele origin: germline.
Comment: In summary, the available evidence is currently insufficient to determine the role of this variant in disease. Therefore, it has been classified as a Variant of Uncertain Significance. This variant has not been reported in the literature in individuals affected with COL12A1-related conditions. This variant is not present in population databases (gnomAD no frequency). This variant, c.9074_9082dup, results in the insertion of 3 amino acid(s) of the COL12A1 protein (p.Pro3025_Gly3027dup), but otherwise preserves the integrity of the reading frame.